The following is an entry in ClinVar:

ClinVar aggregate classification (germline): Uncertain significance (1 of 4 stars; one submission).

Conditions:
Baller-Gerold syndrome (BGS). Also called: CRANIOSYNOSTOSIS WITH RADIAL DEFECTS. Identifiers: Orphanet 1225, MedGen C0265308, MONDO:0009039, OMIM 218600.

Submission:

Labcorp Genetics (formerly Invitae), Labcorp
Classification: Uncertain significance for Baller-Gerold syndrome. Last evaluated: 2021-09-19. Review status: criteria provided, single submitter. Criteria: Invitae Variant Classification Sherloc (09022015). Collection method: clinical testing. Allele origin: germline.
Comment: This variant is not present in population databases (ExAC no frequency). In summary, the available evidence is currently insufficient to determine the role of this variant in disease. Therefore, it has been classified as a Variant of Uncertain Significance. Experimental studies and prediction algorithms are not available or were not evaluated, and the functional significance of this variant is currently unknown. This variant has not been reported in the literature in individuals affected with RECQL4-related conditions. This sequence change replaces lysine with arginine at codon 876 of the RECQL4 protein (p.Lys876Arg). The lysine residue is weakly conserved and there is a small physicochemical difference between lysine and arginine.

NM_004260.4(RECQL4):c.2627A>G (p.Lys876Arg)

Gene: RECQL4 (RecQ like helicase 4; minus strand). Cytogenetic location: 8q24.3.
Variant type: single nucleotide variant.
Coding change: c.2627A>G on transcript NM_004260.4 (MANE Select); coding-DNA position 2627, A replaced by G.
Protein change: p.Lys876Arg; replaces lysine 876 with arginine.
Molecular consequence: missense variant.
Genome position (GRCh38, 1-based): chr8:144,512,975, T>C on the plus strand (A>G on the coding strand, the complement: RECQL4 is on the minus strand). VCF-style: chr8-144512975-T-C. GRCh37 (hg19) VCF-style: chr8-145738358-T-C.
Other names: short protein forms K876R.
Identifiers: ClinVar variation 1382188 (VCV001382188.6), dbSNP rs2130671089, ClinGen allele CA372676796.